The following is an entry in ClinVar:

NM_001244008.2(KIF1A):c.799G>C (p.Glu267Gln)

Gene: KIF1A (kinesin family member 1A; minus strand). Cytogenetic location: 2q37.3.
Variant type: single nucleotide variant.
Coding change: c.799G>C on transcript NM_001244008.2 (MANE Select); coding-DNA position 799, G replaced by C.
Protein change: p.Glu267Gln; replaces glutamic acid 267 with glutamine.
Molecular consequence: missense variant.
Genome position (GRCh38, 1-based): chr2:240,783,109, C>G on the plus strand (G>C on the coding strand, the complement: KIF1A is on the minus strand). VCF-style: chr2-240783109-C-G. GRCh37 (hg19) VCF-style: chr2-241722526-C-G.
Other names: c.799G>C, p.Glu267Gln (NM_001320705.2, NM_001330289.2, NM_001330290.2 and 20 more transcripts); short protein forms E267Q.
Identifiers: ClinVar variation 645308 (VCV000645308.9), dbSNP rs1553637932, ClinGen allele CA351302715.
Genomic context (GRCh38, chr2:240,783,109, plus strand): 5'-CAGCCAGGGCGGAGATGACCTTGCCCAGGGTGGTCAGCGACTTGTTGATGTTGGCCCCCT[C>G]CTGCGGGCAGAAAAGACAGTGGGGTTGGGATGCTGGGGACCCGTGGGGCCTCCTGCTCTG-3'
Protein context (NP_001230937.1, residues 257-277): STGAKGTRLK[Glu267Gln]GANINKSLTT

ClinVar aggregate classification (germline): Pathogenic (1 of 4 stars; one submission).

Conditions:
Neuropathy, hereditary sensory, type 2C. Also called: KIF1A-Related HSAN2 (HSAN2C); Hereditary sensory and autonomic neuropathy type IIC. Identifiers: Orphanet 970, MedGen C3280168, MONDO:0013634, OMIM 614213.
Intellectual disability, autosomal dominant 9 (NESCAVS). Also called: NESCAV SYNDROME; KIF1A-Related Neurodevelopmental Disorder. Identifiers: Orphanet 662367, MedGen C5393830, MONDO:0013656, OMIM 614255.
Hereditary spastic paraplegia 30. Identifiers: Orphanet 101010, MedGen C5235139, MONDO:0012476.

Submission:

Labcorp Genetics (formerly Invitae), Labcorp
Classification: Pathogenic for Hereditary spastic paraplegia 30; Neuropathy, hereditary sensory, type 2C; Intellectual disability, autosomal dominant 9. Last evaluated: 2022-06-04. Review status: criteria provided, single submitter. Criteria: Invitae Variant Classification Sherloc (09022015). Collection method: clinical testing. Allele origin: germline.
Comment: For these reasons, this variant has been classified as Pathogenic. Algorithms developed to predict the effect of sequence changes on RNA splicing suggest that this variant may create or strengthen a splice site. Algorithms developed to predict the effect of missense changes on protein structure and function are either unavailable or do not agree on the potential impact of this missense change (SIFT: "Tolerated"; PolyPhen-2: "Possibly Damaging"; Align-GVGD: "Class C0"). ClinVar contains an entry for this variant (Variation ID: 645308). This missense change has been observed in individual(s) with clinical features of hereditary spastic paraplegia (PMID: 33880452; Invitae). In at least one individual the variant was observed to be de novo. This variant is not present in population databases (gnomAD no frequency). This sequence change replaces glutamic acid, which is acidic and polar, with glutamine, which is neutral and polar, at codon 267 of the KIF1A protein (p.Glu267Gln).

Literature cited by the submitters: PubMed 33880452.